The following is an entry in ClinVar:

NM_032444.4(SLX4):c.3179G>C (p.Arg1060Pro)

Gene: SLX4 (SLX4 structure-specific endonuclease subunit; minus strand). Cytogenetic location: 16p13.3.
Variant type: single nucleotide variant.
Coding change: c.3179G>C on transcript NM_032444.4 (MANE Select); coding-DNA position 3179, G replaced by C.
Protein change: p.Arg1060Pro; replaces arginine 1060 with proline.
Molecular consequence: missense variant.
Genome position (GRCh38, 1-based): chr16:3,590,459, C>G on the plus strand (G>C on the coding strand, the complement: SLX4 is on the minus strand). VCF-style: chr16-3590459-C-G. GRCh37 (hg19) VCF-style: chr16-3640460-C-G.
Other names: c.3179G>C (LRG_503t1); short protein forms R1060P.
Identifiers: ClinVar variation 643806 (VCV000643806.8), dbSNP rs199994766, ClinGen allele CA394521642.

ClinVar aggregate classification (germline): Uncertain significance (1 of 4 stars; one submission).

Conditions:
Fanconi anemia (FA). Also called: Fanconi's anemia. Identifiers: Orphanet 84, MedGen C0015625, MeSH D005199, MONDO:0019391.

gnomAD v4.1: 3 of 1,614,102 alleles (0.00019%); highest among the groups gnomAD compares: Non-Finnish European, 0.00025%; no homozygotes.

Submission:

Labcorp Genetics (formerly Invitae), Labcorp
Classification: Uncertain significance for Fanconi anemia. Last evaluated: 2022-08-23. Review status: criteria provided, single submitter. Criteria: Invitae Variant Classification Sherloc (09022015). Collection method: clinical testing. Allele origin: germline.
Comment: In summary, the available evidence is currently insufficient to determine the role of this variant in disease. Therefore, it has been classified as a Variant of Uncertain Significance. Algorithms developed to predict the effect of missense changes on protein structure and function output the following: SIFT: "Tolerated"; PolyPhen-2: "Benign"; Align-GVGD: "Class C0". The proline amino acid residue is found in multiple mammalian species, which suggests that this missense change does not adversely affect protein function. ClinVar contains an entry for this variant (Variation ID: 643806). This variant has not been reported in the literature in individuals affected with SLX4-related conditions. This variant is not present in population databases (gnomAD no frequency). This sequence change replaces arginine, which is basic and polar, with proline, which is neutral and non-polar, at codon 1060 of the SLX4 protein (p.Arg1060Pro).